The following is an entry in ClinVar:

ClinVar aggregate classification (germline): Uncertain significance (1 of 4 stars; one submission).

Allele frequency attached by ClinVar (database versions not stated): gnomAD 0.00001; TOPMed 0.00003; ExAC 0.00005.
gnomAD v4.1: 37 of 1,613,692 alleles (0.0023%); highest among the groups gnomAD compares: Non-Finnish European, 0.0029%; no homozygotes.

Submission:

Labcorp Genetics (formerly Invitae), Labcorp
Classification: Uncertain significance. Last evaluated: 2024-02-08. Review status: criteria provided, single submitter. Criteria: Invitae Variant Classification Sherloc (09022015). Collection method: clinical testing. Allele origin: germline.
Comment: This sequence change replaces threonine, which is neutral and polar, with alanine, which is neutral and non-polar, at codon 426 of the PLD3 protein (p.Thr426Ala). This variant is present in population databases (rs745463234, gnomAD 0.01%). This variant has not been reported in the literature in individuals affected with PLD3-related conditions. Algorithms developed to predict the effect of missense changes on protein structure and function output the following: SIFT: "Not Available"; PolyPhen-2: "Benign"; Align-GVGD: "Not Available". The alanine amino acid residue is found in multiple mammalian species, which suggests that this missense change does not adversely affect protein function. In summary, the available evidence is currently insufficient to determine the role of this variant in disease. Therefore, it has been classified as a Variant of Uncertain Significance.

NM_012268.4(PLD3):c.1276A>G (p.Thr426Ala)

Gene: PLD3 (phospholipase D family member 3; plus strand). Cytogenetic location: 19q13.2.
Variant type: single nucleotide variant.
Coding change: c.1276A>G on transcript NM_012268.4 (MANE Select); coding-DNA position 1276, A replaced by G.
Protein change: p.Thr426Ala; replaces threonine 426 with alanine.
Molecular consequence: missense variant.
Genome position (GRCh38, 1-based): chr19:40,377,876, A>G. VCF-style: chr19-40377876-A-G. GRCh37 (hg19) VCF-style: chr19-40883783-A-G.
Other names: c.1276A>G, p.Thr426Ala (NM_001031696.4, NM_001291311.2); short protein forms T426A.
Identifiers: ClinVar variation 2736894 (VCV002736894.3), dbSNP rs745463234, ClinGen allele CA9442990.
Genomic context (GRCh38, chr19:40,377,876, plus strand): 5'-CAGGCTCGAATCCCATATGCCCGTGTCAACCACAACAAGTACATGGTGACTGAACGCGCC[A>G]CCTACATCGGTGAGTGTCTTGAGCACCACGGGGCGCTGAAGAAGAGGGGGTTCAGACACC-3'
Protein context (NP_036400.2, residues 416-436): HNKYMVTERA[Thr426Ala]YIGTSNWSGN